The following is an entry in ClinVar:

ClinVar aggregate classification (germline): Uncertain significance (1 of 4 stars; one submission).

Conditions:
Pitt-Hopkins-like syndrome 2 (PTHSL2). Identifiers: Orphanet 221150, Orphanet 600663, MedGen C3280479, MONDO:0013690, OMIM 614325.

Submission:

New York Genome Center
Classification: Uncertain significance for Pitt-Hopkins-like syndrome 2. Last evaluated: 2022-01-21. Review status: criteria provided, single submitter. Criteria: NYGC Assertion Criteria 2020. Collection method: clinical testing. Allele origin: inherited. Observed: 1 heterozygote. Study: CSER-NYCKidSeq.
Comment: The intronic c.922+124781_922+43373del is an 81.4KB deletion completely contained within intron 5 (NM_001135659.2) of the alpha2 isoform of NRXN1 gene, and intron 4 of the alpha1 isoform (NM_004801.5:c.823+124781_823+43373del). While this exact variant is absent from gnomAD, other larger and partially overlapping deletions in this region are found with low frequency in gnomAD. This variant is absent from ClinVar, and while this exact intronic deletion has not been reported in the literature, similar intronic deletions have been reported in individuals with variable neurodevelopmental phenotypes including behavioral abnormalities, learning disability, speech and language delay, and ADHD [PMID:22617343; PMID:25408897; PMID:30031152]. Given the lack of compelling evidence for its pathogenicity, the intronic c.922+124781_922+43373del variant identified in the NRXN1 gene is reported here as a Variant of Uncertain Significance.

NM_001330078.2(NRXN1):c.832+42589_832+123997del

Gene: NRXN1 (neurexin 1; minus strand). Cytogenetic location: 2p16.3.
Variant type: Deletion.
Coding change: c.832+42589_832+123997del on transcript NM_001330078.2 (MANE Select); bases 42589 to 123997 of the intron after coding-DNA position 832, this stretch deleted.
Molecular consequence: intron variant.
Other names: c.772+148222_773-174257del (NM_001330096.2, NM_001330087.2, NM_001330083.2 and 1 more transcripts); c.802+43378_802+124786del (NM_001330088.2); c.829+42589_829+123997del (NM_001330093.2); c.820+43378_820+124786del (NM_001330094.2); c.832+42589_832+123997del (NM_001330095.2, NM_001330082.2, NM_001330077.2 and 3 more transcripts); c.931+42589_931+123997del (NM_001135659.3).
Identifiers: ClinVar variation 983388 (VCV000983388.3).